The following is an entry in ClinVar:

NM_001077365.2(POMT1):c.2090_2093del (p.Leu697fs)

Gene: POMT1 (protein O-mannosyltransferase 1; plus strand). Cytogenetic location: 9q34.13.
Variant type: Deletion.
Coding change: c.2090_2093del on transcript NM_001077365.2 (MANE Select); coding-DNA positions 2090 to 2093, 4 bases deleted (TCAC; older notation c.2090_2093delTCAC).
Protein change: p.Leu697fs; shifts the reading frame from leucine 697.
Molecular consequence: frameshift variant. On other transcripts: non-coding transcript variant (10).
Genome position (GRCh38, 1-based): chr9:131,523,018-131,523,021, TCAC deleted; deleting any 4 consecutive bases within chr9:131,523,015-131,523,021 gives the same sequence; the c. name uses the placement nearest the transcript's 3' end. VCF-style (leftmost placement, unchanged base first): chr9-131523014-CCACT-C. GRCh37 (hg19) VCF-style: chr9-134398401-CCACT-C.
Other names: c.2156_2159del (NM_007171.3); c.1928_1931del, p.Leu643fs (NM_001077366.2, NM_001353194.2); c.2090_2093del, p.Leu697fs (NM_001136113.2); c.1739_1742del, p.Leu580fs (NM_001136114.2, NM_001353195.2, NM_001374691.1 and 2 more transcripts); c.2156_2159del, p.Leu719fs (NM_001353193.2, NM_007171.4); c.2000_2003del, p.Leu667fs (NM_001353196.2); c.1994_1997del, p.Leu665fs (NM_001353197.2, NM_001353198.2); c.1805_1808del, p.Leu602fs (NM_001353199.2); and 5 more; short protein forms L320fs, L545fs, L567fs, L580fs, L602fs, L624fs, L643fs, L665fs.
Identifiers: ClinVar variation 3760363 (VCV003760363.3).

ClinVar aggregate classification (germline): Pathogenic/Likely pathogenic. Review status: criteria provided, multiple submitters, no conflicts (2 of 4 stars). 2 submissions from 2 submitters: Pathogenic (1); Likely pathogenic (1). Last evaluated 2025-01-19.

Conditions:
Muscular dystrophy-dystroglycanopathy (congenital with impaired intellectual development), type B, 1. Also called: MUSCULAR DYSTROPHY, CONGENITAL, POMT1-RELATED; Muscular dystrophy-dystroglycanopathy (congenital with intellectual disability), type B1. Identifiers: MedGen C5436962, MONDO:0013159, OMIM 613155.
Walker-Warburg congenital muscular dystrophy. Also called: Muscular dystrophy-dystroglycanopathy, type A; Walker-Warburg syndrome. Identifiers: Orphanet 899, MedGen C0265221, MONDO:0000171.
Autosomal recessive limb-girdle muscular dystrophy type 2K. Also called: MUSCULAR DYSTROPHY-DYSTROGLYCANOPATHY (LIMB-GIRDLE), TYPE C, 1; MUSCULAR DYSTROPHY, LIMB-GIRDLE, TYPE 2K. Identifiers: Orphanet 86812, MedGen C1836373, MONDO:0012248, OMIM 609308.

Submissions (2):

Labcorp Genetics (formerly Invitae), Labcorp
Classification: Pathogenic for Muscular dystrophy-dystroglycanopathy (congenital with impaired intellectual development), type B, 1; Walker-Warburg congenital muscular dystrophy; Autosomal recessive limb-girdle muscular dystrophy type 2K. Last evaluated: 2025-01-19. Review status: criteria provided, single submitter. Criteria: Invitae Variant Classification Sherloc (09022015). Collection method: clinical testing. Allele origin: germline.
Comment: This sequence change creates a premature translational stop signal (p.Leu719Profs*24) in the POMT1 gene. While this is not anticipated to result in nonsense mediated decay, it is expected to disrupt the last 29 amino acid(s) of the POMT1 protein. This variant is not present in population databases (gnomAD no frequency). This variant has not been reported in the literature in individuals affected with POMT1-related conditions. This variant disrupts a region of the POMT1 protein in which other variant(s) (p.Asp723Glyfs*8) have been determined to be pathogenic (PMID: 12369018, 16575835, 17559086, 22323514, 24304607, 24491487). This suggests that this is a clinically significant region of the protein, and that variants that disrupt it are likely to be disease-causing. For these reasons, this variant has been classified as Pathogenic.

Revvity Omics, Revvity
Classification: Likely pathogenic. Last evaluated: 2024-05-13. Review status: criteria provided, single submitter. Criteria: ACMG Guidelines, 2015. Collection method: clinical testing. Allele origin: germline.

Literature cited by the submitters: PubMed 12369018 (cited by Labcorp Genetics (formerly Invitae), Labcorp); PubMed 16575835 (cited by Labcorp Genetics (formerly Invitae), Labcorp); PubMed 17559086 (cited by Labcorp Genetics (formerly Invitae), Labcorp); PubMed 22323514 (cited by Labcorp Genetics (formerly Invitae), Labcorp); PubMed 24304607 (cited by Labcorp Genetics (formerly Invitae), Labcorp); PubMed 24491487 (cited by Labcorp Genetics (formerly Invitae), Labcorp).